The following is an entry in ClinVar:

ClinVar aggregate classification (germline): Uncertain significance. Review status: criteria provided, multiple submitters, no conflicts (2 of 4 stars). 2 submissions from 2 submitters: Uncertain significance (2). Last evaluated 2025-11-26.

Allele frequency attached by ClinVar (database versions not stated): gnomAD 0.00001; TOPMed 0.00008; ExAC 0.00012; gnomAD exomes 0.00013.
gnomAD v4.1: 40 of 1,613,898 alleles (0.0025%); highest among the groups gnomAD compares: Admixed American, 0.067%; no homozygotes.

Submissions (2):

Labcorp Genetics (formerly Invitae), Labcorp
Classification: Uncertain significance. Last evaluated: 2025-11-26. Review status: criteria provided, single submitter. Criteria: Invitae Variant Classification Sherloc (09022015). Collection method: clinical testing. Allele origin: germline.
Comment: This sequence change replaces serine, which is neutral and polar, with tyrosine, which is neutral and polar, at codon 977 of the ADGRA3 protein (p.Ser977Tyr). This variant is present in population databases (rs768003943, gnomAD 0.1%), and has an allele count higher than expected for a pathogenic variant. This variant has not been reported in the literature in individuals affected with ADGRA3-related conditions. ClinVar contains an entry for this variant (Variation ID: 836432). An algorithm developed to predict the effect of missense changes on protein structure and function (PolyPhen-2) suggests that this variant is likely to be disruptive. In summary, the available evidence is currently insufficient to determine the role of this variant in disease. Therefore, it has been classified as a Variant of Uncertain Significance.

Ambry Genetics
Classification: Uncertain significance. Last evaluated: 2025-04-11. Review status: criteria provided, single submitter. Criteria: Ambry Variant Classification Scheme 2023. Collection method: clinical testing. Allele origin: germline.

NM_145290.4(ADGRA3):c.2930C>A (p.Ser977Tyr)

Gene: ADGRA3 (adhesion G protein-coupled receptor A3; minus strand). Cytogenetic location: 4p15.2.
Variant type: single nucleotide variant.
Coding change: c.2930C>A on transcript NM_145290.4 (MANE Select); coding-DNA position 2930, C replaced by A.
Protein change: p.Ser977Tyr; replaces serine 977 with tyrosine.
Molecular consequence: missense variant.
Genome position (GRCh38, 1-based): chr4:22,388,741, G>T on the plus strand (C>A on the coding strand, the complement: ADGRA3 is on the minus strand). VCF-style: chr4-22388741-G-T. GRCh37 (hg19) VCF-style: chr4-22390364-G-T.
Other names: c.2930C>A (NM_145290.2); short protein forms S977Y.
Identifiers: ClinVar variation 836432 (VCV000836432.9), dbSNP rs768003943, ClinGen allele CA2873477.